The following is an entry in ClinVar:

NM_019066.5(MAGEL2):c.3131C>G (p.Ser1044Trp)

Gene: MAGEL2 (MAGE family member L2; minus strand). Cytogenetic location: 15q11.2.
Variant type: single nucleotide variant.
Coding change: c.3131C>G on transcript NM_019066.5 (MANE Select); coding-DNA position 3131, C replaced by G.
Protein change: p.Ser1044Trp; replaces serine 1044 with tryptophan.
Molecular consequence: missense variant.
Genome position (GRCh38, 1-based): chr15:23,644,612, G>C on the plus strand (C>G on the coding strand, the complement: MAGEL2 is on the minus strand). VCF-style: chr15-23644612-G-C. GRCh37 (hg19) VCF-style: chr15-23889759-G-C.
Other names: short protein forms S1044W.
Identifiers: ClinVar variation 2576153 (VCV002576153.1), dbSNP rs1267004913, ClinGen allele CA391325535.

ClinVar aggregate classification (germline): Uncertain significance (1 of 4 stars; one submission).

gnomAD v4.1: 2 of 1,613,812 alleles (0.00012%); highest among the groups gnomAD compares: South Asian, 0.0022%; no homozygotes.

Submission:

Institute for Clinical Genetics, University Hospital TU Dresden, University Hospital TU Dresden
Classification: Uncertain significance. Last evaluated: 2023-06-12. Review status: criteria provided, single submitter. Criteria: ACMG Guidelines, 2015. Collection method: clinical testing. Allele origin: paternal.
Comment: PM2_SUP